The following is an entry in ClinVar:

ClinVar aggregate classification (germline): Uncertain significance (1 of 4 stars; one submission).

Conditions:
Biotinidase deficiency. Also called: BTD deficiency; Late-onset biotin-responsive multiple carboxylase deficiency; Biotin deficiency. Identifiers: Orphanet 79241, MedGen C0220754, MONDO:0009665, OMIM 253260.

Submission:

Labcorp Genetics (formerly Invitae), Labcorp
Classification: Uncertain significance for Biotinidase deficiency. Last evaluated: 2024-01-17. Review status: criteria provided, single submitter. Criteria: Invitae Variant Classification Sherloc (09022015). Collection method: clinical testing. Allele origin: germline.
Comment: This sequence change replaces asparagine, which is neutral and polar, with lysine, which is basic and polar, at codon 295 of the BTD protein (p.Asn295Lys). This variant is not present in population databases (gnomAD no frequency). This variant has not been reported in the literature in individuals affected with BTD-related conditions. ClinVar contains an entry for this variant (Variation ID: 2060855). Advanced modeling of protein sequence and biophysical properties (such as structural, functional, and spatial information, amino acid conservation, physicochemical variation, residue mobility, and thermodynamic stability) performed at Invitae indicates that this missense variant is expected to disrupt BTD protein function with a positive predictive value of 95%. In summary, the available evidence is currently insufficient to determine the role of this variant in disease. Therefore, it has been classified as a Variant of Uncertain Significance.

NM_001370658.1(BTD):c.825C>A (p.Asn275Lys)

Gene: BTD (biotinidase; plus strand). Cytogenetic location: 3p25.1.
Variant type: single nucleotide variant.
Coding change: c.825C>A on transcript NM_001370658.1 (MANE Select); coding-DNA position 825, C replaced by A.
Protein change: p.Asn275Lys; replaces asparagine 275 with lysine.
Molecular consequence: missense variant. On other transcripts: intron variant (1).
Genome position (GRCh38, 1-based): chr3:15,644,741, C>A. VCF-style: chr3-15644741-C-A. GRCh37 (hg19) VCF-style: chr3-15686248-C-A.
Other names: c.885C>A, p.Asn295Lys (NM_000060.4); c.825C>A, p.Asn275Lys (NM_001281723.4, NM_001281724.3, NM_001281725.3 and 18 more transcripts); c.399+2684C>A (NM_001370753.1); short protein forms N275K, N295K.
Identifiers: ClinVar variation 2060855 (VCV002060855.4), dbSNP rs145379955, ClinGen allele CA351607428.